The following is an entry in ClinVar:

ClinVar aggregate classification (germline): Likely pathogenic (1 of 4 stars; one submission).

Conditions:
Maple syrup urine disease (MSUD). Identifiers: Orphanet 511, MedGen C0024776, MeSH D008375, MONDO:0009563. Disease mechanism: loss of function.

Submission:

Labcorp Genetics (formerly Invitae), Labcorp
Classification: Likely pathogenic for Maple syrup urine disease. Last evaluated: 2022-08-10. Review status: criteria provided, single submitter. Criteria: Invitae Variant Classification Sherloc (09022015). Collection method: clinical testing. Allele origin: germline.
Comment: In summary, the currently available evidence indicates that the variant is pathogenic, but additional data are needed to prove that conclusively. Therefore, this variant has been classified as Likely Pathogenic. This variant disrupts the p.Gly249 amino acid residue in BCKDHA. Other variant(s) that disrupt this residue have been determined to be pathogenic (PMID: 9582350, 20431954). This suggests that this residue is clinically significant, and that variants that disrupt this residue are likely to be disease-causing. Advanced modeling of protein sequence and biophysical properties (such as structural, functional, and spatial information, amino acid conservation, physicochemical variation, residue mobility, and thermodynamic stability) performed at Invitae indicates that this missense variant is expected to disrupt BCKDHA protein function. ClinVar contains an entry for this variant (Variation ID: 1511580). This variant has not been reported in the literature in individuals affected with BCKDHA-related conditions. This variant is not present in population databases (gnomAD no frequency). This sequence change replaces glycine, which is neutral and non-polar, with cysteine, which is neutral and slightly polar, at codon 249 of the BCKDHA protein (p.Gly249Cys).

Literature cited by the submitters: PubMed 9582350; PubMed 20431954.

NM_000709.4(BCKDHA):c.745G>T (p.Gly249Cys)

Gene: BCKDHA (branched chain keto acid dehydrogenase E1 subunit alpha; plus strand). Cytogenetic location: 19q13.2.
Variant type: single nucleotide variant.
Coding change: c.745G>T on transcript NM_000709.4 (MANE Select); coding-DNA position 745, G replaced by T.
Protein change: p.Gly249Cys; replaces glycine 249 with cysteine.
Molecular consequence: missense variant.
Genome position (GRCh38, 1-based): chr19:41,422,262, G>T. VCF-style: chr19-41422262-G-T. GRCh37 (hg19) VCF-style: chr19-41928167-G-T.
Other names: c.745G>T, p.Gly249Cys (NM_001164783.2); short protein forms G249C.
Identifiers: ClinVar variation 1511580 (VCV001511580.8), dbSNP rs137852874, ClinGen allele CA406012858.